The following is an entry in ClinVar:

NM_000077.5(CDKN2A):c.165C>T (p.Gly55=)

Gene: CDKN2A (cyclin dependent kinase inhibitor 2A; minus strand). Cytogenetic location: 9p21.3.
Variant type: single nucleotide variant.
Coding change: c.165C>T on transcript NM_000077.5; coding-DNA position 165, C replaced by T.
Protein change: p.Gly55=; no amino-acid change (glycine 55 retained).
Molecular consequence: synonymous variant (on NM_000077.6). On other transcripts: nonsense (1), 3 prime UTR variant (1).
Genome position (GRCh38, 1-based): chr9:21,971,194, G>A on the plus strand (C>T on the coding strand, the complement: CDKN2A is on the minus strand). VCF-style: chr9-21971194-G-A. GRCh37 (hg19) VCF-style: chr9-21971193-G-A.
Other names: c.165C>T, p.Gly55= (NM_000077.6, NM_001195132.2); c.12C>T, p.Gly4= (NM_001363763.2); c.208C>T, p.Gln70Ter (NM_058195.4); c.*88C>T (NM_058197.5); short protein forms Q70*.
Identifiers: ClinVar variation 2431281 (VCV002431281.1), dbSNP rs1819725713, ClinGen allele CA373086426.

ClinVar aggregate classification (germline): Pathogenic (1 of 4 stars; one submission).

Conditions:
Melanoma-pancreatic cancer syndrome. Identifiers: Orphanet 404560, MedGen C1838547, MONDO:0011713, OMIM 606719. Disease mechanism: loss of function.

Allele frequency attached by ClinVar (database versions not stated): gnomAD exomes below 0.00001.
gnomAD v4.1: 2 of 1,597,656 alleles (0.00013%); highest among the groups gnomAD compares: Non-Finnish European, 0.00017%; no homozygotes.

Submission:

Myriad Genetics, Inc.
Classification: Pathogenic for Melanoma-pancreatic cancer syndrome. Last evaluated: 2023-01-12. Review status: criteria provided, single submitter. Criteria: Myriad Autosomal Dominant, Autosomal Recessive and X-Linked Classification Criteria (2023). Collection method: clinical testing. Allele origin: unknown.
Comment: This variant is considered pathogenic. This variant creates a termination codon and is predicted to result in premature protein truncation.